The following is an entry in ClinVar:

NM_015047.3(EMC1):c.430G>A (p.Ala144Thr)

Gene: EMC1 (ER membrane protein complex subunit 1; minus strand). Cytogenetic location: 1p36.13.
Variant type: single nucleotide variant.
Coding change: c.430G>A on transcript NM_015047.3 (MANE Select); coding-DNA position 430, G replaced by A.
Protein change: p.Ala144Thr; replaces alanine 144 with threonine.
Molecular consequence: missense variant.
Genome position (GRCh38, 1-based): chr1:19,242,424, C>T on the plus strand (G>A on the coding strand, the complement: EMC1 is on the minus strand). VCF-style: chr1-19242424-C-T. GRCh37 (hg19) VCF-style: chr1-19568918-C-T.
Other names: c.430G>A, p.Ala144Thr (NM_001271427.2, NM_001271428.2); c.364G>A, p.Ala122Thr (NM_001271429.2); short protein forms A144T, A122T.
Identifiers: ClinVar variation 224802 (VCV000224802.11), dbSNP rs869320623, ClinGen allele CA358737.

ClinVar aggregate classification (germline): Conflicting classifications of pathogenicity. Review status: criteria provided, conflicting classifications (1 of 4 stars). 5 submissions from 5 submitters: Uncertain significance (2); Likely benign (1). 2 of the submissions do not count toward it. Last evaluated 2024-07-23.

Conditions:
Autosomal recessive retinitis pigmentosa. Identifiers: MedGen C0339526.
Cerebellar atrophy, visual impairment, and psychomotor retardation;. Also called: Cerebellar atrophy, visual impairment, and psychomotor retardation. Identifiers: MedGen C4225172, MONDO:0014811, OMIM 616875.

Allele frequency attached by ClinVar (database versions not stated): gnomAD exomes below 0.00001; TOPMed below 0.00001; gnomAD 0.00003.

Submissions (5):

Labcorp Genetics (formerly Invitae), Labcorp
Classification: Uncertain significance. Last evaluated: 2024-07-23. Review status: criteria provided, single submitter. Criteria: Invitae Variant Classification Sherloc (09022015). Collection method: clinical testing. Allele origin: germline.
Comment: This sequence change replaces alanine, which is neutral and non-polar, with threonine, which is neutral and polar, at codon 144 of the EMC1 protein (p.Ala144Thr). This variant is present in population databases (no rsID available, gnomAD 0.01%). This missense change has been observed in individual(s) with retinal dystrophy (PMID: 23105016). ClinVar contains an entry for this variant (Variation ID: 224802). Advanced modeling of protein sequence and biophysical properties (such as structural, functional, and spatial information, amino acid conservation, physicochemical variation, residue mobility, and thermodynamic stability) performed at Invitae indicates that this missense variant is expected to disrupt EMC1 protein function with a positive predictive value of 80%. In summary, the available evidence is currently insufficient to determine the role of this variant in disease. Therefore, it has been classified as a Variant of Uncertain Significance.

Blueprint Genetics
Classification: Uncertain significance. Last evaluated: 2024-04-04. Review status: criteria provided, single submitter. Criteria: ACMG Guidelines, 2015. Collection method: clinical testing. Allele origin: germline.

Genomic Medicine Center of Excellence, King Faisal Specialist Hospital and Research Centre
Classification: Likely benign for Cerebellar atrophy, visual impairment, and psychomotor retardation;. Last evaluated: 2024-03-26. Review status: criteria provided, single submitter. Criteria: ACMG Guidelines, 2015. Collection method: clinical testing. Allele origin: germline.

OMIM
Classification: Uncertain significance for VARIANT OF UNKNOWN SIGNIFICANCE. Last evaluated: 2013-02-01. Review status: no assertion criteria provided. Collection method: literature only. Allele origin: germline. Not counted in ClinVar's aggregate classification.

Faculty of Health Sciences, Beirut Arab University
Classification: Pathogenic for Autosomal recessive Retinitis Pigmentosa. Last evaluated: 2012-10-26. Review status: no assertion criteria provided. Collection method: literature only. Allele origin: germline. Affected: yes. Observed: 1 variant allele. Not counted in ClinVar's aggregate classification.

Literature cited by the submitters: PubMed 23105016 (cited by 3 submitters).